The following is an entry in ClinVar:

ClinVar aggregate classification (germline): Likely benign (1 of 4 stars; one submission).

Submission:

Laboratory for Molecular Medicine, Mass General Brigham Personalized Medicine
Classification: Likely benign. Last evaluated: 2017-03-02. Review status: criteria provided, single submitter. Criteria: LMM Criteria. Collection method: clinical testing. Allele origin: germline. Observed: 2 variant alleles.
Comment: m.953T>C in MTRNR1: This variant is not expected to have clinical significance b ecause it has been identified in 2.4% (3/125) of human mitochondrial DNA sequenc es of the haplogroup N1a, which is of South Asian origin. Furthermore, the thymine (T) nucleotide at position m.953 is not conserved in mammals or evolutionarily distant species, and 11 species carry a cytosine (C) at this position, supporting that this change may be tolerated. Though this vari ant has been identified in several individuals with hearing loss (Lu 2010), the high frequency of this variant in haplogroup N1a indicates it is likely benign.

Literature cited by the submitters: PubMed 20435583; PubMed 20100600.

NC_012920.1(MT-RNR1):m.953T>C

Gene: MT-RNR1 (mitochondrially encoded 12S RNA; plus strand).
Variant type: single nucleotide variant.
Genome position: chrM-953-T-C.
Identifiers: ClinVar variation 517299 (VCV000517299.4), dbSNP rs1556422495, ClinGen allele CA658799926.